The following is an entry in ClinVar:

ClinVar aggregate classification (germline): Uncertain significance (1 of 4 stars; one submission).

Submission:

Labcorp Genetics (formerly Invitae), Labcorp
Classification: Uncertain significance. Last evaluated: 2025-07-30. Review status: criteria provided, single submitter. Criteria: Invitae Variant Classification Sherloc (09022015). Collection method: clinical testing. Allele origin: germline.
Comment: This sequence change replaces serine, which is neutral and polar, with alanine, which is neutral and non-polar, at codon 1331 of the CDK13 protein (p.Ser1331Ala). This variant is not present in population databases (gnomAD no frequency). This variant has not been reported in the literature in individuals affected with CDK13-related conditions. Invitae Evidence Modeling of protein sequence and biophysical properties (such as structural, functional, and spatial information, amino acid conservation, physicochemical variation, residue mobility, and thermodynamic stability) indicates that this missense variant is not expected to disrupt CDK13 protein function with a negative predictive value of 95%. In summary, the available evidence is currently insufficient to determine the role of this variant in disease. Therefore, it has been classified as a Variant of Uncertain Significance.

NM_003718.5(CDK13):c.3991T>G (p.Ser1331Ala)

Gene: CDK13 (cyclin dependent kinase 13; plus strand). Cytogenetic location: 7p14.1.
Variant type: single nucleotide variant.
Coding change: c.3991T>G on transcript NM_003718.5 (MANE Select); coding-DNA position 3991, T replaced by G.
Protein change: p.Ser1331Ala; replaces serine 1331 with alanine.
Molecular consequence: missense variant.
Genome position (GRCh38, 1-based): chr7:40,094,432, T>G. VCF-style: chr7-40094432-T-G. GRCh37 (hg19) VCF-style: chr7-40134031-T-G.
Other names: c.3811T>G, p.Ser1271Ala (NM_031267.4); short protein forms S1271A, S1331A.
Identifiers: ClinVar variation 4802468 (VCV004802468.1).